The following is an entry in ClinVar:

ClinVar aggregate classification (germline): Pathogenic/Likely pathogenic. Review status: criteria provided, multiple submitters, no conflicts (2 of 4 stars). 5 submissions from 5 submitters: Pathogenic (4); Likely pathogenic (1). Last evaluated 2023-09-08.

Conditions:
Hereditary cancer-predisposing syndrome. Also called: Hereditary neoplastic syndrome; Tumor predisposition; Neoplastic Syndromes, Hereditary; Hereditary Cancer Syndrome. Identifiers: Orphanet 140162, MedGen C0027672, MeSH D009386, MONDO:0015356.
DICER1-related tumor predisposition. Also called: DICER1-related pleuropulmonary blastoma cancer predisposition syndrome; DICER1 syndrome. Identifiers: Orphanet 284343, MedGen C3839822, MONDO:0100216.
Pleuropulmonary blastoma (PPB). Identifiers: Orphanet 64742, MedGen C1266144, MONDO:0011014, OMIM 601200, HP:0100528.

Submissions (5):

St. Jude Molecular Pathology, St. Jude Children's Research Hospital
Classification: Pathogenic for Pleuropulmonary blastoma. Last evaluated: 2023-09-08. Review status: criteria provided, single submitter. Criteria: St. Jude Assertion Criteria 2020. Collection method: clinical testing. Allele origin: germline.
Comment: The DICER1 c.4458dup (p.Ser1487IlefsTer5) change duplicates one nucleotide to cause a frameshift and the creation of a premature stop codon. This change is predicted to cause protein truncation or absence of protein due to nonsense-mediated decay. This variant has been reported in individuals with DICER1 syndrome (PMID: 33872107, internal data), including at least one individual whose tumor harbored a second pathogenic variant in the DICER1 gene. This variant is also absent in gnomAD v2.1.1. In summary, this variant meets criteria to be classified as pathogenic.

GeneDx
Classification: Pathogenic. Last evaluated: 2022-11-16. Review status: criteria provided, single submitter. Criteria: GeneDx Variant Classification Process June 2021. Collection method: clinical testing. Allele origin: germline. Affected: yes.
Comment: Frameshift variant predicted to result in protein truncation or nonsense mediated decay in a gene for which loss of function is a known mechanism of disease; Not observed at significant frequency in large population cohorts (gnomAD); Reported in the literature in an individual with primary biphasic hepatic sarcoma and low-grade hidradenocarcinoma (See et al., 2021); This variant is associated with the following publications: (PMID: 33872107)

Ambry Genetics
Classification: Pathogenic for Hereditary cancer-predisposing syndrome. Last evaluated: 2022-04-06. Review status: criteria provided, single submitter. Criteria: Ambry Variant Classification Scheme 2023. Collection method: clinical testing. Allele origin: germline.
Comment: The c.4458dupA pathogenic mutation, located in coding exon 22 of the DICER1 gene, results from a duplication of A at nucleotide position 4458, causing a translational frameshift with a predicted alternate stop codon (p.S1487Ifs*5). This variant is considered to be rare based on population cohorts in the Genome Aggregation Database (gnomAD). This alteration is expected to result in loss of function by premature protein truncation or nonsense-mediated mRNA decay. As such, this alteration is interpreted as a disease-causing mutation.

Labcorp Genetics (formerly Invitae), Labcorp
Classification: Pathogenic for DICER1-related tumor predisposition. Last evaluated: 2022-01-07. Review status: criteria provided, single submitter. Criteria: Invitae Variant Classification Sherloc (09022015). Collection method: clinical testing. Allele origin: germline.
Comment: This variant is not present in population databases (gnomAD no frequency). For these reasons, this variant has been classified as Pathogenic. ClinVar contains an entry for this variant (Variation ID: 429122). This variant has not been reported in the literature in individuals affected with DICER1-related conditions. This sequence change creates a premature translational stop signal (p.Ser1487Ilefs*5) in the DICER1 gene. It is expected to result in an absent or disrupted protein product. Loss-of-function variants in DICER1 are known to be pathogenic (PMID: 19556464, 21266384).

PreventionGenetics, part of Exact Sciences
Classification: Likely pathogenic. Last evaluated: 2014-04-17. Review status: criteria provided, single submitter. Criteria: ACMG Guidelines, 2015. Collection method: clinical testing. Allele origin: germline.

Literature cited by the submitters: PubMed 19556464 (cited by Labcorp Genetics (formerly Invitae), Labcorp); PubMed 21266384 (cited by Labcorp Genetics (formerly Invitae), Labcorp).

NM_177438.3(DICER1):c.4458dup (p.Ser1487fs)

Gene: DICER1 (dicer 1, ribonuclease III; minus strand). Cytogenetic location: 14q32.13.
Variant type: Duplication.
Coding change: c.4458dup on transcript NM_177438.3 (MANE Select); coding-DNA position 4458, one base duplicated (A; older notation c.4458dupA).
Protein change: p.Ser1487fs; shifts the reading frame from serine 1487.
Molecular consequence: frameshift variant.
Genome position (GRCh38, 1-based): chr14:95,096,462, T duplicated on the plus strand (A on the coding strand, the reverse complement: DICER1 is on the minus strand); the first of 6 consecutive T bases (chr14:95,096,462-95,096,467); duplicating any one gives the same sequence. VCF-style (leftmost placement, unchanged base first): chr14-95096461-A-AT. GRCh37 (hg19) VCF-style: chr14-95562798-A-AT.
Other names: c.4458dupA (NM_177438.2, NM_030621.4); c.4458dup, p.Ser1487fs (NM_001195573.1, NM_001271282.3, NM_001291628.2 and 1 more transcripts); short protein forms S1487fs.
Identifiers: ClinVar variation 429122 (VCV000429122.17), dbSNP rs1131691197, ClinGen allele CA645369616.